The following is an entry in ClinVar:

ClinVar aggregate classification (germline): Uncertain significance (1 of 4 stars; one submission).

Conditions:
Rienhoff syndrome. Also called: LOEYS-DIETZ SYNDROME 5. Identifiers: MedGen C3810012, MONDO:0014262, OMIM 615582.

Allele frequency attached by ClinVar (database versions not stated): TOPMed below 0.00001.
gnomAD v4.1: 1 of 1,614,222 alleles (0.000062%); highest among the groups gnomAD compares: Non-Finnish European, 0.000085%; no homozygotes.

Submission:

Labcorp Genetics (formerly Invitae), Labcorp
Classification: Uncertain significance for Rienhoff syndrome. Last evaluated: 2023-11-18. Review status: criteria provided, single submitter. Criteria: Invitae Variant Classification Sherloc (09022015). Collection method: clinical testing. Allele origin: germline.
Comment: This sequence change replaces aspartic acid, which is acidic and polar, with tyrosine, which is neutral and polar, at codon 109 of the TGFB3 protein (p.Asp109Tyr). This variant is not present in population databases (gnomAD no frequency). This variant has not been reported in the literature in individuals affected with TGFB3-related conditions. Advanced modeling of protein sequence and biophysical properties (such as structural, functional, and spatial information, amino acid conservation, physicochemical variation, residue mobility, and thermodynamic stability) performed at Invitae indicates that this missense variant is not expected to disrupt TGFB3 protein function with a negative predictive value of 80%. In summary, the available evidence is currently insufficient to determine the role of this variant in disease. Therefore, it has been classified as a Variant of Uncertain Significance.

NM_003239.5(TGFB3):c.325G>T (p.Asp109Tyr)

Gene: TGFB3 (transforming growth factor beta 3; minus strand). Cytogenetic location: 14q24.3.
Variant type: single nucleotide variant.
Coding change: c.325G>T on transcript NM_003239.5 (MANE Select); coding-DNA position 325, G replaced by T.
Protein change: p.Asp109Tyr; replaces aspartic acid 109 with tyrosine.
Molecular consequence: missense variant.
Genome position (GRCh38, 1-based): chr14:75,980,569, C>A on the plus strand (G>T on the coding strand, the complement: TGFB3 is on the minus strand). VCF-style: chr14-75980569-C-A. GRCh37 (hg19) VCF-style: chr14-76446912-C-A.
Other names: c.325G>T, p.Asp109Tyr (NM_001329938.2, NM_001329939.2); short protein forms D109Y.
Identifiers: ClinVar variation 2902378 (VCV002902378.3), dbSNP rs986180095, ClinGen allele CA390470895.